The following is an entry in ClinVar:

ClinVar aggregate classification (germline): Pathogenic. Review status: criteria provided, multiple submitters, no conflicts (2 of 4 stars). 12 submissions from 12 submitters: Pathogenic (10). 2 of the submissions do not count toward it. Last evaluated 2026-04-10.

Conditions:
Osteogenesis imperfecta type I (OI1). Also called: OI, TYPE I; OSTEOGENESIS IMPERFECTA TARDA; OSTEOGENESIS IMPERFECTA WITH BLUE SCLERAE; Osteogenesis imperfecta type 1; Classic Non-deforming Osteogenesis Imperfecta with Blue Sclerae; Lobstein's Disease. Identifiers: Orphanet 216796, Orphanet 666, MedGen C0023931, MONDO:0008146, OMIM 166200. Disease mechanism: loss of function.
COL1A1-related disorder. Also called: COL1A1-related condition; COL1A1- related disease.
Osteogenesis imperfecta, perinatal lethal (OI2). Also called: OI, TYPE II; OSTEOGENESIS IMPERFECTA CONGENITA; VROLIK TYPE OF OSTEOGENESIS IMPERFECTA; OSTEOGENESIS IMPERFECTA, TYPE II; Osteogenesis imperfecta, dominant perinatal lethal; Osteogenesis imperfecta type 2. Identifiers: Orphanet 216804, MedGen C0268358, MONDO:0008147, OMIM 166210.
Osteogenesis imperfecta type III (OI3). Also called: Progressively Deforming Osteogenesis Imperfecta; Osteogenesis imperfecta type 3; OI type 3; Osteogenesis imperfecta, progressively deforming with normal sclerae; OI type III. Identifiers: Orphanet 216812, Orphanet 666, MedGen C0268362, MONDO:0009804, OMIM 259420.
Ehlers-Danlos syndrome, arthrochalasia type. Also called: Ehlers-Danlos syndrome, arthrochalasia type, 1; ARTHROCHALASIS MULTIPLEX CONGENITA; EDS VII, MUTANT PROCOLLAGEN TYPE; EDS VIIA; Ehlers-Danlos syndrome, arthrochalasis type. Identifiers: Orphanet 1899, Orphanet 99875, Orphanet 99876, MedGen C4551623, MONDO:0007525, OMIM 130060.
Infantile cortical hyperostosis. Also called: Hyperostosis, Cortical, Congenital; P1PK BLOOD GROUP SYSTEM, P(2) PHENOTYPE; Caffey Disease. Identifiers: Orphanet 1310, MedGen C0020497, MONDO:0007244, OMIM 114000.
Osteogenesis imperfecta with normal sclerae, dominant form (OI4). Also called: OSTEOGENESIS IMPERFECTA WITH NORMAL SCLERAE; Osteogenesis imperfecta type 4; OSTEOGENESIS IMPERFECTA, TYPE IV, WITH DENTINOGENESIS IMPERFECTA; Common Variable Osteogenesis Imperfecta with Normal Sclerae; Osteogenesis Imperfecta Type IV. Identifiers: Orphanet 216820, Orphanet 666, MedGen C0268363, MONDO:0008148, OMIM 166220.
Postmenopausal osteoporosis. Also called: OSTEOPOROSIS, INVOLUTIONAL; BONE MINERAL DENSITY QUANTITATIVE TRAIT LOCUS. Identifiers: MedGen C0029458, MONDO:0008159.

Submissions (12):

Dasa
Classification: Pathogenic. Last evaluated: 2026-04-10. Review status: criteria provided, single submitter. Criteria: DASA Assertion Criteria. Collection method: clinical testing. Allele origin: germline.
Comment: NM_000088.4(COL1A1):c.1299+1G>A introduces a premature termination codon predicted to result in loss of normal protein function. Loss-of-function is an established mechanism of disease for this gene. This variant has been reported in individuals with related phenotype (PMID: 32166892). The variant is present at low frequency in population datasets. Based on the available data, this variant is classified as pathogenic.

Mendelics
Classification: Pathogenic for Osteogenesis imperfecta type I. Last evaluated: 2026-03-05. Review status: criteria provided, single submitter. Criteria: ACMG Guidelines, 2015. Collection method: clinical testing. Allele origin: unknown.
Comment: Likely pathogenic/Pathogenic according to ACMG criteria.

Labcorp Genetics (formerly Invitae), Labcorp
Classification: Pathogenic for Osteogenesis imperfecta type I. Last evaluated: 2026-01-24. Review status: criteria provided, single submitter. Criteria: Invitae Variant Classification Sherloc (09022015). Collection method: clinical testing. Allele origin: germline.
Comment: This sequence change affects a donor splice site in intron 19 of the COL1A1 gene. It is expected to disrupt RNA splicing. Variants that disrupt the donor or acceptor splice site typically lead to a loss of protein function (PMID: 16199547), and loss-of-function variants in COL1A1 are known to be pathogenic (PMID: 7942841, 9295084, 9443882). This variant is not present in population databases (gnomAD no frequency). Disruption of this splice site has been observed in individuals with type 1 osteogenesis imperfecta (PMID: 12590186, 19358256, 22753364, 25963598, 27510842). ClinVar contains an entry for this variant (Variation ID: 425599). Algorithms developed to predict the effect of sequence changes on RNA splicing suggest that this variant may disrupt the consensus splice site. For these reasons, this variant has been classified as Pathogenic.

3billion
Classification: Pathogenic for COL1A1-related disorder. Last evaluated: 2025-02-24. Review status: criteria provided, single submitter. Criteria: ACMG Guidelines, 2015. Collection method: clinical testing. Allele origin: germline. Affected: yes.
Comment: The variant is not observed in the gnomAD v4.1.0 dataset. Predicted Consequence/Location: Canonical splice site: predicted to alter splicing and result in a loss or disruption of normal protein function. Multiple pathogenic loss-of-function variants are reported downstream of the variant. In silico tools predict the variant to alter splicing and produce an abnormal transcript [SpliceAI: 0.99 (spliceogenicity >=0.2, non-spliceogenicity <0.1)]. The variant has been reported at least twice as pathogenic with clinical assertions and evidence for the classification (ClinVar ID: VCV000425599 /PMID: 12590186). Therefore, this variant is classified as Pathogenic according to the recommendation of ACMG/AMP guideline.

Blueprint Genetics
Classification: Pathogenic for COL1A1-related disorders. Last evaluated: 2024-03-05. Review status: criteria provided, single submitter. Criteria: ACMG Guidelines, 2015. Collection method: clinical testing. Allele origin: germline. Affected: yes. Observed: 5 variant alleles.

Athena Diagnostics
Classification: Pathogenic. Last evaluated: 2022-10-18. Review status: criteria provided, single submitter. Criteria: Athena Diagnostics Criteria. Collection method: clinical testing. Allele origin: unknown.
Comment: This variant is expected to severely impact normal RNA splicing, and consequently, protein structure and/or function. This variant has been identified in at least one individual with clinical features associated with osteogenesis imperfecta. This variant has not been reported in large, multi-ethnic general populations.

Clinical Genetics Laboratory, Skane University Hospital Lund
Classification: Pathogenic. Last evaluated: 2022-07-13. Review status: criteria provided, single submitter. Criteria: ACMG Guidelines, 2015. Collection method: clinical testing. Allele origin: germline. Affected: yes.

GeneDx
Classification: Pathogenic. Last evaluated: 2022-04-21. Review status: criteria provided, single submitter. Criteria: GeneDx Variant Classification Process June 2021. Collection method: clinical testing. Allele origin: germline. Affected: yes.
Comment: Published functional studies demonstrate variant results in skipping of exon 19 (Schleit et al., 2015); Canonical splice site variant predicted to result in a null allele in a gene for which loss of function is a known mechanism of disease; Not observed in large population cohorts (gnomAD); This variant is associated with the following publications: (PMID: 30886339, 32234057, 25525159, 12590186, 27510842, 22206639, 19358256, 25963598, 30715774, 33939306)

Victorian Clinical Genetics Services, Murdoch Childrens Research Institute
Classification: Pathogenic for Osteogenesis imperfecta type I. Last evaluated: 2020-05-26. Review status: criteria provided, single submitter. Criteria: ACMG Guidelines, 2015. Collection method: clinical testing. Allele origin: germline. Inheritance: Autosomal dominant inheritance.
Comment: Based on the classification scheme VCGS_Germline_v1.1.1, this variant is classified as Pathogenic. Following criteria are met: 0102 - Loss-of-function is a known mechanism of disease for this gene. (N) 0104 - Dominant Negative is a mechanism of disease for this gene. (N) 0107 - This gene is known to be associated with autosomal dominant disease. (N) 0209 - Splice variant (canonical or non-canonical) proven to affect splicing/expression of the transcript with uncertain effect on protein structure (PMID: 25963598). (P) 0251 - Variant is heterozygous. (N) 0301 - Variant is absent from gnomAD. (P) 0505 - Abnormal splicing is predicted by in silico tools and affected nucleotide is highly conserved. (P) 0704 - Comparable variant has low previous evidence for pathogenicity. A different variant in the same splice site (c.1299+1G>C) has also been shown to cause Osteogenesis imperfecta (ClinVar, PMID: 15024692). (P) 0801 - Strong previous evidence of pathogenicity in unrelated individuals. The variant has been previously reported as pathogenic in patients with Osteogenesis imperfecta (ClinVar, PMID: 12590186, 22753364, 19358256, 25963598). (P) 1208 - Inheritance information for this variant is not currently available. (N) Legend: (P) - Pathogenic, (N) - Neutral, (B) - Benign

Fulgent Genetics
Classification: Pathogenic for Infantile cortical hyperostosis; Ehlers-Danlos syndrome, arthrochalasia type; Osteogenesis imperfecta type I; Osteogenesis imperfecta, perinatal lethal; Osteogenesis imperfecta with normal sclerae, dominant form; Osteoporosis; Osteogenesis imperfecta type III. Last evaluated: 2018-10-31. Review status: criteria provided, single submitter. Criteria: ACMG Guidelines, 2015. Collection method: clinical testing. Allele origin: unknown.

PreventionGenetics, part of Exact Sciences
Classification: Pathogenic for COL1A1-related condition. Last evaluated: 2024-07-31. Review status: no assertion criteria provided. Collection method: clinical testing. Allele origin: germline. Not counted in ClinVar's aggregate classification.
Comment: The COL1A1 c.1299+1G>A variant is predicted to disrupt the GT donor site and interfere with normal splicing. This variant has been reported in individuals with mild osteogenesis imperfecta (OI) (see example: reported as IVS19+1G>A, Benusiene et al. 2003. PubMed ID: 12590186; Higuchi et al. 2021. PubMed ID: 33939306). Furthermore, an alternate nucleotide at the same position, c.1299+1G>C, has been reported in an individual with OI type IV (Figure 1B, Cabral and Marini et al. 2004. PubMed ID: 15024692). The c.1299+1G>A variant has not been reported in a large population database, indicating this variant is rare. Variants that disrupt the consensus splice donor site in COL1A1 are expected to be pathogenic. This variant is interpreted as pathogenic.

Department of Medical Sciences, Uppsala University
Classification: Pathogenic for OI type I. Review status: no assertion criteria provided. Collection method: clinical testing. Allele origin: unknown. Affected: yes. Observed: 1 variant allele. Not counted in ClinVar's aggregate classification.

Literature cited by the submitters: PubMed 32166892 (cited by Dasa); PubMed 16199547 (cited by Labcorp Genetics (formerly Invitae), Labcorp); PubMed 7942841 (cited by Labcorp Genetics (formerly Invitae), Labcorp); PubMed 9295084 (cited by Labcorp Genetics (formerly Invitae), Labcorp); PubMed 9443882 (cited by Labcorp Genetics (formerly Invitae), Labcorp); PubMed 12590186 (cited by 4 submitters); PubMed 19358256 (cited by 3 submitters); PubMed 22753364 (cited by Labcorp Genetics (formerly Invitae), Labcorp and Victorian Clinical Genetics Services, Murdoch Childrens Research Institute); PubMed 25963598 (cited by 3 submitters); PubMed 27510842 (cited by Labcorp Genetics (formerly Invitae), Labcorp); PubMed 15024692 (cited by Victorian Clinical Genetics Services, Murdoch Childrens Research Institute); PubMed 25944380 (cited by Department of Medical Sciences, Uppsala University).

NM_000088.4(COL1A1):c.1299+1G>A

Gene: COL1A1 (collagen type I alpha 1 chain; minus strand). Cytogenetic location: 17q21.33.
Variant type: single nucleotide variant.
Coding change: c.1299+1G>A on transcript NM_000088.4 (MANE Select); the canonical splice donor site of the intron after coding-DNA position 1299, G replaced by A.
Molecular consequence: splice donor variant.
Genome position (GRCh38, 1-based): chr17:50,195,231, C>T on the plus strand (G>A on the coding strand, the complement: COL1A1 is on the minus strand). VCF-style: chr17-50195231-C-T. GRCh37 (hg19) VCF-style: chr17-48272592-C-T.
Other names: c.1299+1G>A (LRG_1t1).
Identifiers: ClinVar variation 425599 (VCV000425599.25), dbSNP rs66490707, ClinGen allele CA291546594.
Genomic context (GRCh38, chr17:50,195,231, plus strand): 5'-AGATGAGAGCCGCACTGGAGCCAGTGCATGGGGTGGGCAGAAGGGAGAGTTTGGTACTCA[C>T]GCTGTTACCCTTGGGACCAGGAGGGCCGCCGGGGCCCTGGGGTCCAGAGGGGCCTCGGGC-3'